The following is an entry in ClinVar:

ClinVar aggregate classification (germline): Pathogenic. Review status: criteria provided, multiple submitters, no conflicts (2 of 4 stars). 5 submissions from 5 submitters: Pathogenic (4). 1 of the submissions does not count toward it. Last evaluated 2024-07-23.

Conditions:
Bardet-Biedl syndrome 12 (BBS12). Identifiers: Orphanet 110, MedGen C1859570, MONDO:0014440, OMIM 615989.
Bardet-Biedl syndrome (BBS). Identifiers: Orphanet 110, MedGen C0752166, MONDO:0015229.
BBS12-related disorder. Also called: BBS12-related condition.

Allele frequency attached by ClinVar (database versions not stated): gnomAD exomes 0.00002 and 0.00005; TOPMed 0.00002; gnomAD 0.00003; ExAC 0.00001.

Submissions (5):

Natera, Inc.
Classification: Pathogenic for Bardet-Biedl syndrome type 12. Last evaluated: 2024-07-23. Review status: criteria provided, single submitter. Criteria: Natera Variant Classification Schema (03/2026). Collection method: clinical testing. Allele origin: germline.
Comment: The c.1092delA variant in BBS12 is a frameshift variant predicted to shift the reading frame beginning at codon 365 and leads to a stop codon 18 codons downstream. This variant is expected to result in nonsense mediated decay, truncation, or a dysfunctional protein product. This variant is rare in the general population with a frequency below the threshold expected for the associated phenotype(s). This variant has been observed in one or more individuals affected with the associated recessive disease, as either homozygous or compound heterozygous with a second variant (PMID: 27659767, 25170860). Given the available evidence, this variant is classified as Pathogenic.

Fulgent Genetics
Classification: Pathogenic for Bardet-Biedl syndrome 12. Last evaluated: 2024-03-18. Review status: criteria provided, single submitter. Criteria: ACMG Guidelines, 2015. Collection method: clinical testing. Allele origin: germline.

Labcorp Genetics (formerly Invitae), Labcorp
Classification: Pathogenic for Bardet-Biedl syndrome. Last evaluated: 2024-01-10. Review status: criteria provided, single submitter. Criteria: Invitae Variant Classification Sherloc (09022015). Collection method: clinical testing. Allele origin: germline.
Comment: This sequence change creates a premature translational stop signal (p.Glu365Argfs*18) in the BBS12 gene. While this is not anticipated to result in nonsense mediated decay, it is expected to disrupt the last 346 amino acid(s) of the BBS12 protein. This variant is present in population databases (rs770218590, gnomAD 0.004%). This premature translational stop signal has been observed in individual(s) with Bardet-Biedl syndrome (PMID: 17160889, 27659767). ClinVar contains an entry for this variant (Variation ID: 347497). This variant disrupts a region of the BBS12 protein in which other variant(s) (p.Arg675*) have been determined to be pathogenic (PMID: 20827784, 21642631). This suggests that this is a clinically significant region of the protein, and that variants that disrupt it are likely to be disease-causing. For these reasons, this variant has been classified as Pathogenic.

Blueprint Genetics
Classification: Pathogenic for BBS12-related disorders. Last evaluated: 2023-12-14. Review status: criteria provided, single submitter. Criteria: ACMG Guidelines, 2015. Collection method: clinical testing. Allele origin: germline. Affected: yes. Observed: 5 variant alleles.

Counsyl
Classification: Pathogenic for Bardet-Biedl syndrome 12. Last evaluated: 2017-08-08. Review status: no assertion criteria provided. Collection method: clinical testing. Allele origin: unknown. Not counted in ClinVar's aggregate classification.

Literature cited by the submitters: PubMed 27659767 (cited by 3 submitters); PubMed 25170860 (cited by Natera, Inc.); PubMed 17160889 (cited by Labcorp Genetics (formerly Invitae), Labcorp and Counsyl); PubMed 20827784 (cited by Labcorp Genetics (formerly Invitae), Labcorp); PubMed 21642631 (cited by Labcorp Genetics (formerly Invitae), Labcorp).

NM_152618.3(BBS12):c.1092del (p.Glu365fs)

Gene: BBS12 (Bardet-Biedl syndrome 12; plus strand). Cytogenetic location: 4q27.
Variant type: Deletion.
Coding change: c.1092del on transcript NM_152618.3 (MANE Select); coding-DNA position 1092, one base deleted (A; older notation c.1092delA).
Protein change: p.Glu365fs; shifts the reading frame from glutamic acid 365.
Molecular consequence: frameshift variant.
Genome position (GRCh38, 1-based): chr4:122,742,984, A deleted. VCF-style (leftmost placement, unchanged base first): chr4-122742983-CA-C. GRCh37 (hg19) VCF-style: chr4-123664138-CA-C.
Other names: c.1092del, p.Glu365fs (NM_001178007.2); c.1092del (NM_152618.2); short protein forms E365fs.
Identifiers: ClinVar variation 347497 (VCV000347497.26), dbSNP rs770218590, ClinGen allele CA3069371.